The following is an entry in ClinVar:

ClinVar aggregate classification (germline): Uncertain significance (1 of 4 stars; one submission).

Conditions:
Autosomal recessive nonsyndromic hearing loss 48. Also called: Deafness, autosomal recessive 48; Usher Syndrome Type 1J. Identifiers: Orphanet 231169, Orphanet 886, Orphanet 90636, MedGen C1836199, MONDO:0012273, OMIM 609439.

Submission:

Human Genetics Bochum, Ruhr University Bochum
Classification: Uncertain significance for Autosomal recessive nonsyndromic hearing loss 48. Last evaluated: 2025-08-05. Review status: criteria provided, single submitter. Criteria: ACMG Guidelines, 2015. Collection method: clinical testing. Allele origin: germline. Affected: yes.
Comment: in homozygous state; ACMG criteria used to clasify this variant: PM2_SUP, PP3

NM_006383.4(CIB2):c.530C>G (p.Pro177Arg)

Gene: CIB2 (calcium and integrin binding family member 2; minus strand). Cytogenetic location: 15q25.1.
Variant type: single nucleotide variant.
Coding change: c.530C>G on transcript NM_006383.4 (MANE Select); coding-DNA position 530, C replaced by G.
Protein change: p.Pro177Arg; replaces proline 177 with arginine.
Molecular consequence: missense variant. On other transcripts: non-coding transcript variant (1).
Genome position (GRCh38, 1-based): chr15:78,105,751, G>C on the plus strand (C>G on the coding strand, the complement: CIB2 is on the minus strand). VCF-style: chr15-78105751-G-C. GRCh37 (hg19) VCF-style: chr15-78398093-G-C.
Other names: c.401C>G, p.Pro134Arg (NM_001271888.2); c.383C>G, p.Pro128Arg (NM_001271889.2); c.545C>G, p.Pro182Arg (NM_001301224.2); short protein forms P128R, P134R, P177R, P182R.
Identifiers: ClinVar variation 4687941 (VCV004687941.1).